The following is an entry in ClinVar:

ClinVar aggregate classification (germline): Conflicting classifications of pathogenicity. Review status: criteria provided, conflicting classifications (1 of 4 stars). 3 submissions from 3 submitters: Uncertain significance (2); Likely benign (1). Last evaluated 2025-01-10.

Conditions:
Cardiovascular phenotype. Identifiers: MedGen CN230736.
Cardiac arrhythmia, ankyrin-B-related. Also called: ANKYRIN-B SYNDROME. Identifiers: Orphanet 101016, Orphanet 768, MedGen C1970119, MONDO:0010958, OMIM 600919.

Allele frequency attached by ClinVar (database versions not stated): gnomAD exomes below 0.00001.
gnomAD v4.1: 4 of 1,614,044 alleles (0.00025%); highest among the groups gnomAD compares: Non-Finnish European, 0.00034%; no homozygotes.

Submissions (3):

GeneDx
Classification: Uncertain significance. Last evaluated: 2025-01-10. Review status: criteria provided, single submitter. Criteria: GeneDx Variant Classification Process June 2021. Collection method: clinical testing. Allele origin: germline. Affected: yes.
Comment: Not observed at significant frequency in large population cohorts (gnomAD); In silico analysis indicates that this missense variant does not alter protein structure/function; Has not been previously published as pathogenic or benign to our knowledge

Ambry Genetics
Classification: Likely benign for Cardiovascular phenotype. Last evaluated: 2021-09-22. Review status: criteria provided, single submitter. Criteria: Ambry Variant Classification Scheme 2023. Collection method: clinical testing. Allele origin: germline.

Baylor Genetics
Classification: Uncertain significance for Cardiac arrhythmia, ankyrin-B-related. Last evaluated: 2018-02-08. Review status: criteria provided, single submitter. Criteria: ACMG Guidelines, 2015. Collection method: clinical testing. Allele origin: maternal. Affected: yes.
Comment: This variant was determined to be of uncertain significance according to ACMG Guidelines, 2015 [PMID:25741868].

NM_001148.6(ANK2):c.7985C>T (p.Ser2662Phe)

Genes: ANK2 (ankyrin 2; plus strand), LOC126807137 (CDK7 strongly-dependent group 2 enhancer GRCh37_chr4:114276560-114277759; plus strand). Cytogenetic location: 4q26.
Variant type: single nucleotide variant.
Coding change: c.7985C>T on transcript NM_001148.6 (MANE Select); coding-DNA position 7985, C replaced by T.
Protein change: p.Ser2662Phe; replaces serine 2662 with phenylalanine.
Molecular consequence: missense variant. On other transcripts: intron variant (68).
Genome position (GRCh38, 1-based): chr4:113,356,603, C>T. VCF-style: chr4-113356603-C-T. GRCh37 (hg19) VCF-style: chr4-114277759-C-T.
Other names: c.7751C>T, p.Ser2584Phe (NM_001386142.1); c.4385C>T, p.Ser1462Phe (NM_001386166.1); c.8126C>T, p.Ser2709Phe (NM_001386174.1); c.8102C>T, p.Ser2701Phe (NM_001386175.1); c.4412-4220C>T (NM_001386186.2, NM_001386148.2); c.4214-4220C>T (NM_001354269.3); c.4292-4220C>T (NM_001386187.2); c.4253-4220C>T (NM_001386147.1); and 35 more; short protein forms S1462F, S2584F, S2662F, S2709F, S2701F.
Identifiers: ClinVar variation 1033338 (VCV001033338.6), dbSNP rs1564029811, ClinGen allele CA357932795.